The following is an entry in ClinVar:

NM_013382.7(POMT2):c.70dup (p.Gln24fs)

Gene: POMT2 (protein O-mannosyltransferase 2; minus strand). Cytogenetic location: 14q24.3.
Variant type: Duplication.
Coding change: c.70dup on transcript NM_013382.7 (MANE Select); coding-DNA position 70, one base duplicated (C; older notation c.70dupC).
Protein change: p.Gln24fs; shifts the reading frame from glutamine 24.
Molecular consequence: frameshift variant.
Genome position (GRCh38, 1-based): chr14:77,320,612, G duplicated on the plus strand (C on the coding strand, the reverse complement: POMT2 is on the minus strand); the first of 5 consecutive G bases (chr14:77,320,612-77,320,616); duplicating any one gives the same sequence. VCF-style (leftmost placement, unchanged base first): chr14-77320611-T-TG. GRCh37 (hg19) VCF-style: chr14-77786954-T-TG.
Other names: short protein forms Q24fs.
Identifiers: ClinVar variation 2122163 (VCV002122163.4), dbSNP rs2503372158, ClinGen allele CA2580088816.

ClinVar aggregate classification (germline): Pathogenic (1 of 4 stars; one submission).

Conditions:
Muscular dystrophy-dystroglycanopathy (congenital with brain and eye anomalies), type A2. Also called: MUSCULAR DYSTROPHY-DYSTROGLYCANOPATHY (CONGENITAL WITH BRAIN AND EYE ANOMALIES), TYPE A, 2; WALKER-WARBURG SYNDROME OR MUSCLE-EYE-BRAIN DISEASE, POMT2-RELATED. Identifiers: Orphanet 588, Orphanet 899, MedGen C3150411, MONDO:0013154, OMIM 613150.
Autosomal recessive limb-girdle muscular dystrophy type 2N. Also called: MUSCULAR DYSTROPHY-DYSTROGLYCANOPATHY, LIMB-GIRDLE, POMT2-RELATED; Muscular dystrophy-dystroglycanopathy (limb-girdle), type C, 2. Identifiers: Orphanet 206559, MedGen C3150418, MONDO:0013162, OMIM 613158.
Muscular dystrophy-dystroglycanopathy (congenital with impaired intellectual development), type B, 2. Also called: Muscular dystrophy-dystroglycanopathy (congenital with intellectual disability), type B2; MUSCULAR DYSTROPHY, CONGENITAL, POMT2-RELATED. Identifiers: MedGen C3150416, MONDO:0013160, OMIM 613156.

Submission:

Labcorp Genetics (formerly Invitae), Labcorp
Classification: Pathogenic for Muscular dystrophy-dystroglycanopathy (congenital with impaired intellectual development), type B, 2; Muscular dystrophy-dystroglycanopathy (congenital with brain and eye anomalies), type A2; Autosomal recessive limb-girdle muscular dystrophy type 2N. Last evaluated: 2024-02-24. Review status: criteria provided, single submitter. Criteria: Invitae Variant Classification Sherloc (09022015). Collection method: clinical testing. Allele origin: germline.
Comment: This sequence change creates a premature translational stop signal (p.Gln24Profs*4) in the POMT2 gene. It is expected to result in an absent or disrupted protein product. Loss-of-function variants in POMT2 are known to be pathogenic (PMID: 15894594). This variant is not present in population databases (gnomAD no frequency). This variant has not been reported in the literature in individuals affected with POMT2-related conditions. ClinVar contains an entry for this variant (Variation ID: 2122163). For these reasons, this variant has been classified as Pathogenic.

Literature cited by the submitters: PubMed 15894594.